The following is an entry in ClinVar:

ClinVar aggregate classification (germline): Uncertain significance (1 of 4 stars; one submission).

Conditions:
Heterotopia, periventricular, X-linked dominant (PVNH1). Also called: PERIVENTRICULAR NODULAR HETEROTOPIA 1; X-linked periventricular heterotopia; PERIVENTRICULAR NODULAR HETEROTOPIA 4; HETEROTOPIA, PERIVENTRICULAR, 1. Identifiers: Orphanet 2149, Orphanet 82004, MedGen C1848213, MONDO:0010233, OMIM 300049.
Melnick-Needles syndrome (MNS). Also called: Melnick-Needles Syndrome (FLNA-MNS); MELNICK-NEEDLES OSTEODYSPLASTY; OSTEODYSPLASTY OF MELNICK AND NEEDLES. Identifiers: Orphanet 2484, MedGen C0025237, MONDO:0010650, OMIM 309350.
Frontometaphyseal dysplasia (FMD1). Identifiers: Orphanet 1826, MedGen C0265293, MONDO:0015942.
Oto-palato-digital syndrome, type II (OPD2). Also called: Otopalatodigital Syndrome Type 2 (FLNA-OPD2); FACIOPALATOOSSEOUS SYNDROME; OPD II SYNDROME; Otopalatodigital Syndrome, Type II. Identifiers: Orphanet 669, Orphanet 90652, MedGen C1844696, MONDO:0010571, OMIM 304120.

Submission:

Labcorp Genetics (formerly Invitae), Labcorp
Classification: Uncertain significance for Oto-palato-digital syndrome, type II; Heterotopia, periventricular, X-linked dominant; Frontometaphyseal dysplasia; Melnick-Needles syndrome. Last evaluated: 2023-09-10. Review status: criteria provided, single submitter. Criteria: Invitae Variant Classification Sherloc (09022015). Collection method: clinical testing. Allele origin: germline.
Comment: This sequence change replaces alanine, which is neutral and non-polar, with serine, which is neutral and polar, at codon 843 of the FLNA protein (p.Ala843Ser). This variant is not present in population databases (gnomAD no frequency). This variant has not been reported in the literature in individuals affected with FLNA-related conditions. Advanced modeling of protein sequence and biophysical properties (such as structural, functional, and spatial information, amino acid conservation, physicochemical variation, residue mobility, and thermodynamic stability) performed at Invitae indicates that this missense variant is not expected to disrupt FLNA protein function. In summary, the available evidence is currently insufficient to determine the role of this variant in disease. Therefore, it has been classified as a Variant of Uncertain Significance.

NM_001110556.2(FLNA):c.2527G>T (p.Ala843Ser)

Gene: FLNA (filamin A; minus strand). Cytogenetic location: Xq28.
Variant type: single nucleotide variant.
Coding change: c.2527G>T on transcript NM_001110556.2 (MANE Select); coding-DNA position 2527, G replaced by T.
Protein change: p.Ala843Ser; replaces alanine 843 with serine.
Molecular consequence: missense variant.
Genome position (GRCh38, 1-based): chrX:154,362,456, C>A on the plus strand (G>T on the coding strand, the complement: FLNA is on the minus strand). VCF-style: chrX-154362456-C-A. GRCh37 (hg19) VCF-style: chrX-153590824-C-A.
Other names: c.2527G>T, p.Ala843Ser (NM_001456.4); short protein forms A843S.
Identifiers: ClinVar variation 2951841 (VCV002951841.3), dbSNP rs782402900, ClinGen allele CA415235945.
Genomic context (GRCh38, chrX:154,362,456, plus strand): 5'-CGGCCAGGAGCGCAGCACCCACCTGGTCAGCAAAGAGGACCATAATGGTGTAGCTGCCAG[C>A]CCCCCGGGGCGTGTACTTGACCGTGAAGGTGTCATTGTCATTGCGGATGATGTCGAAGTC-3'
Protein context (NP_001104026.1, residues 833-853): TFTVKYTPRG[Ala843Ser]GSYTIMVLFA